The following is an entry in ClinVar:

ClinVar aggregate classification (germline): Uncertain significance (1 of 4 stars; one submission).

Allele frequency attached by ClinVar (database versions not stated): gnomAD exomes below 0.00001.
gnomAD v4.1: 5 of 1,613,240 alleles (0.00031%); highest among the groups gnomAD compares: Non-Finnish European, 0.00042%; no homozygotes.

Submission:

Labcorp Genetics (formerly Invitae), Labcorp
Classification: Uncertain significance. Last evaluated: 2021-05-20. Review status: criteria provided, single submitter. Criteria: Invitae Variant Classification Sherloc (09022015). Collection method: clinical testing. Allele origin: germline.
Comment: In summary, the available evidence is currently insufficient to determine the role of this variant in disease. Therefore, it has been classified as a Variant of Uncertain Significance. Algorithms developed to predict the effect of sequence changes on RNA splicing suggest that this variant may create or strengthen a splice site, but this prediction has not been confirmed by published transcriptional studies. Algorithms developed to predict the effect of missense changes on protein structure and function are either unavailable or do not agree on the potential impact of this missense change (SIFT: "Deleterious"; PolyPhen-2: "Benign"; Align-GVGD: "Class C15"). This variant has not been reported in the literature in individuals with CHRM2-related conditions. This variant is not present in population databases (ExAC no frequency). This sequence change replaces histidine with tyrosine at codon 208 of the CHRM2 protein (p.His208Tyr). The histidine residue is weakly conserved and there is a moderate physicochemical difference between histidine and tyrosine.

NM_001006630.2(CHRM2):c.622C>T (p.His208Tyr)

Genes: CHRM2 (cholinergic receptor muscarinic 2; plus strand), LOC349160 (uncharacterized LOC349160; minus strand). Cytogenetic location: 7q33.
Variant type: single nucleotide variant.
Coding change: c.622C>T on transcript NM_001006630.2 (MANE Select); coding-DNA position 622, C replaced by T.
Protein change: p.His208Tyr; replaces histidine 208 with tyrosine.
Molecular consequence: missense variant.
Genome position (GRCh38, 1-based): chr7:137,015,487, C>T. VCF-style: chr7-137015487-C-T. GRCh37 (hg19) VCF-style: chr7-136700234-C-T.
Other names: c.622C>T, p.His208Tyr (NM_000739.3, NM_001006626.3, NM_001006627.3 and 6 more transcripts); short protein forms H208Y.
Identifiers: ClinVar variation 1380299 (VCV001380299.8), dbSNP rs1196291053, ClinGen allele CA369486910.